The following is an entry in ClinVar:

ClinVar aggregate classification (germline): Uncertain significance. Review status: criteria provided, multiple submitters, no conflicts (2 of 4 stars). 6 submissions from 6 submitters: Uncertain significance (5). 1 of the submissions does not count toward it. Last evaluated 2025-12-15.

Conditions:
Aortic aneurysm, familial thoracic 4 (AAT4). Also called: AORTIC ANEURYSM/AORTIC DISSECTION AND PATENT DUCTUS ARTERIOSUS. Identifiers: MedGen C1851504, MONDO:0007568, OMIM 132900.
Familial thoracic aortic aneurysm and aortic dissection (TAAD). Also called: Thoracic aortic aneurysms and dissections. Identifiers: Orphanet 91387, MedGen C4707243, MONDO:0019625.
MYH11-related disorder. Also called: MYH11-related condition.

Allele frequency attached by ClinVar (database versions not stated): gnomAD 0.00002 and 0.00003; gnomAD exomes 0.00003 and 0.00004; TOPMed 0.00003; 1000 Genomes Project 30x 0.00016; 1000 Genomes Project 0.00020; ExAC 0.00002.
gnomAD v4.1: 44 of 1,613,380 alleles (0.0027%); highest among the groups gnomAD compares: East Asian, 0.0045%; no homozygotes.

Submissions (6):

Color Diagnostics, LLC DBA Color Health
Classification: Uncertain significance for Familial thoracic aortic aneurysm and aortic dissection. Last evaluated: 2025-12-15. Review status: criteria provided, single submitter. Criteria: ACMG Guidelines, 2015. Collection method: clinical testing. Allele origin: germline.
Comment: This missense variant replaces lysine with glutamic acid at codon 1717 of the MYH11 protein. Computational prediction suggests that this variant may not impact protein structure and function. To our knowledge, functional studies have not been reported for this variant. This variant has not been reported in individuals affected with MYH11-related disorders in the literature. This variant has been identified in 9/250956 chromosomes in the general population by the Genome Aggregation Database (gnomAD). The available evidence is insufficient to determine the role of this variant in disease conclusively. Therefore, this variant is classified as a Variant of Uncertain Significance.

Labcorp Genetics (formerly Invitae), Labcorp
Classification: Uncertain significance for Aortic aneurysm, familial thoracic 4. Last evaluated: 2025-08-16. Review status: criteria provided, single submitter. Criteria: Invitae Variant Classification Sherloc (09022015). Collection method: clinical testing. Allele origin: germline.
Comment: This sequence change replaces lysine, which is basic and polar, with glutamic acid, which is acidic and polar, at codon 1717 of the MYH11 protein (p.Lys1717Glu). This variant is present in population databases (rs566447086, gnomAD 0.006%). This missense change has been observed in individuals with thoracic aortic aneurysm and/or dissection (internal data). ClinVar contains an entry for this variant (Variation ID: 922008). Invitae Evidence Modeling of protein sequence and biophysical properties (such as structural, functional, and spatial information, amino acid conservation, physicochemical variation, residue mobility, and thermodynamic stability) indicates that this missense variant is not expected to disrupt MYH11 protein function with a negative predictive value of 95%. In summary, the available evidence is currently insufficient to determine the role of this variant in disease. Therefore, it has been classified as a Variant of Uncertain Significance.

GeneDx
Classification: Uncertain significance. Last evaluated: 2025-07-28. Review status: criteria provided, single submitter. Criteria: GeneDx Variant Classification Process June 2021. Collection method: clinical testing. Allele origin: germline.
Comment: Has not been previously published as pathogenic or benign to our knowledge; In silico analysis suggests that this missense variant does not alter protein structure/function

All of Us Research Program, National Institutes of Health
Classification: Uncertain significance for Familial thoracic aortic aneurysm and aortic dissection. Last evaluated: 2024-09-11. Review status: criteria provided, single submitter. Criteria: ACMG Guidelines, 2015. Collection method: clinical testing. Allele origin: germline. Inheritance: Autosomal dominant inheritance. Observed: 13 variant alleles, 13 heterozygotes.
Comment: This missense variant replaces lysine with glutamic acid at codon 1717 of the MYH11 protein. Computational prediction suggests that this variant may not impact protein structure and function (internally defined REVEL score threshold <= 0.5, PMID: 27666373). To our knowledge, functional studies have not been reported for this variant. This variant has not been reported in individuals affected with cardiovascular disorders in the literature. This variant has been identified in 9/250956 chromosomes in the general population by the Genome Aggregation Database (gnomAD). The available evidence is insufficient to determine the role of this variant in disease conclusively. Therefore, this variant is classified as a Variant of Uncertain Significance.

This study involves interpretation of variants in research participants for the purpose of population health screening. Participant phenotype was not available at the time of variant classification. Additional details can be found in publication PMID: 35346344, PMCID: PMC8962531

Ambry Genetics
Classification: Uncertain significance for Familial thoracic aortic aneurysm and aortic dissection. Last evaluated: 2021-03-22. Review status: criteria provided, single submitter. Criteria: Ambry Variant Classification Scheme 2023. Collection method: clinical testing. Allele origin: germline.
Comment: The p.K1710E variant (also known as c.5128A>G), located in coding exon 35 of the MYH11 gene, results from an A to G substitution at nucleotide position 5128. The lysine at codon 1710 is replaced by glutamic acid, an amino acid with similar properties. This amino acid position is not well conserved in available vertebrate species. In addition, this alteration is predicted to be tolerated by in silico analysis. Since supporting evidence is limited at this time, the clinical significance of this alteration remains unclear.

PreventionGenetics, part of Exact Sciences
Classification: Uncertain significance for MYH11-related condition. Last evaluated: 2024-03-06. Review status: no assertion criteria provided. Collection method: clinical testing. Allele origin: germline. Not counted in ClinVar's aggregate classification.
Comment: The MYH11 c.5149A>G variant is predicted to result in the amino acid substitution p.Lys1717Glu. To our knowledge, this variant has not been reported in the literature. This variant is reported in 0.0054% of alleles in individuals of East Asian descent in gnomAD. At this time, the clinical significance of this variant is uncertain due to the absence of conclusive functional and genetic evidence.

NM_002474.3(MYH11):c.5128A>G (p.Lys1710Glu)

Genes: MYH11 (myosin heavy chain 11; minus strand), NDE1 (nudE neurodevelopment protein 1; plus strand). Cytogenetic location: 16p13.11.
Variant type: single nucleotide variant.
Coding change: c.5128A>G on transcript NM_002474.3 (MANE Select); coding-DNA position 5128, A replaced by G.
Protein change: p.Lys1710Glu; replaces lysine 1710 with glutamic acid.
Molecular consequence: missense variant. On other transcripts: intron variant (2).
Genome position (GRCh38, 1-based): chr16:15,719,263, T>C on the plus strand (A>G on the coding strand, the complement: MYH11 is on the minus strand). VCF-style: chr16-15719263-T-C. GRCh37 (hg19) VCF-style: chr16-15813120-T-C.
Other names: c.5149A>G, p.Lys1717Glu (NM_001040113.2, NM_001040114.2); c.5128A>G, p.Lys1710Glu (NM_022844.3); c.948-4928T>C (NM_001143979.2, NM_017668.3); short protein forms K1710E, K1717E.
Identifiers: ClinVar variation 922008 (VCV000922008.20), dbSNP rs566447086, ClinGen allele CA7921408.
Genomic context (GRCh38, chr16:15,719,263, plus strand): 5'-TCCATTCAGTTTCCTACCTTCCCGACAGGCTACTGGCCAGCTCCTCTGCCAGTTCCTCCT[T>C]CTCGAGGTCCGCTTGTTTGCGAGCCCTCTCAGCGGCGGCGAGGTCCTAGGTGGGAGGGAG-3'
Protein context (NP_002465.1, residues 1700-1720): ERARKQADLE[Lys1710Glu]EELAEELASS